The following is an entry in ClinVar:

ClinVar aggregate classification (germline): Uncertain significance (1 of 4 stars; one submission).

Conditions:
Dilated cardiomyopathy 1W (CMD1W). Identifiers: Orphanet 154, MedGen C1969639, MONDO:0012667, OMIM 611407.

Submission:

Labcorp Genetics (formerly Invitae), Labcorp
Classification: Uncertain significance for Dilated cardiomyopathy 1W. Last evaluated: 2022-02-06. Review status: criteria provided, single submitter. Criteria: Invitae Variant Classification Sherloc (09022015). Collection method: clinical testing. Allele origin: germline.
Comment: In summary, the available evidence is currently insufficient to determine the role of this variant in disease. Therefore, it has been classified as a Variant of Uncertain Significance. Algorithms developed to predict the effect of sequence changes on RNA splicing suggest that this variant may create or strengthen a splice site. This variant has not been reported in the literature in individuals affected with VCL-related conditions. This variant is not present in population databases (gnomAD no frequency). This sequence change affects codon 342 of the VCL mRNA. It is a 'silent' change, meaning that it does not change the encoded amino acid sequence of the VCL protein.

NM_014000.3(VCL):c.1026A>T (p.Gly342=)

Gene: VCL (vinculin; plus strand). Cytogenetic location: 10q22.2.
Variant type: single nucleotide variant.
Coding change: c.1026A>T on transcript NM_014000.3 (MANE Select); coding-DNA position 1026, A replaced by T.
Protein change: p.Gly342=; no amino-acid change (glycine 342 retained).
Molecular consequence: synonymous variant.
Genome position (GRCh38, 1-based): chr10:74,089,199, A>T. VCF-style: chr10-74089199-A-T. GRCh37 (hg19) VCF-style: chr10-75848957-A-T.
Other names: c.1026A>T, p.Gly342= (NM_003373.4).
Identifiers: ClinVar variation 2093775 (VCV002093775.4), dbSNP rs2549222589, ClinGen allele CA470172257.